The following is an entry in ClinVar:

ClinVar aggregate classification (germline): Uncertain significance (1 of 4 stars; one submission).

Submission:

GeneDx
Classification: Uncertain significance. Last evaluated: 2026-03-11. Review status: criteria provided, single submitter. Criteria: GeneDx Variant Classification Process June 2021. Collection method: clinical testing. Allele origin: germline.
Comment: Not observed at significant frequency in large population cohorts (gnomAD); In silico analysis supports that this missense variant has a deleterious effect on protein structure/function; Has not been previously published as pathogenic or benign to our knowledge

NM_001378452.1(ITPR1):c.6457G>A (p.Gly2153Arg)

Gene: ITPR1 (inositol 1,4,5-trisphosphate receptor type 1; plus strand). Cytogenetic location: 3p26.1.
Variant type: single nucleotide variant.
Coding change: c.6457G>A on transcript NM_001378452.1 (MANE Select); coding-DNA position 6457, G replaced by A.
Protein change: p.Gly2153Arg; replaces glycine 2153 with arginine.
Molecular consequence: missense variant.
Genome position (GRCh38, 1-based): chr3:4,782,688, G>A. VCF-style: chr3-4782688-G-A. GRCh37 (hg19) VCF-style: chr3-4824372-G-A.
Other names: c.6313G>A, p.Gly2105Arg (NM_001099952.4); c.6412G>A, p.Gly2138Arg (NM_001168272.2); c.6268G>A, p.Gly2090Arg (NM_002222.7); short protein forms G2138R, G2105R, G2153R, G2090R.
Identifiers: ClinVar variation 5008820 (VCV005008820.1).